The following is an entry in ClinVar:

ClinVar aggregate classification (germline): Uncertain significance (1 of 4 stars; one submission).

Conditions:
Familial cancer of breast. Also called: BREAST CANCER, FAMILIAL; hereditary breast carcinoma; Hereditary breast cancer. Identifiers: Orphanet 227535, MedGen C0346153, MONDO:0016419, OMIM 114480. Disease mechanism: loss of function.
Fanconi anemia complementation group J. Also called: BRIP1-Related Fanconi Anemia. Identifiers: Orphanet 84, MedGen C1836860, MONDO:0012187, OMIM 609054.

Submission:

Labcorp Genetics (formerly Invitae), Labcorp
Classification: Uncertain significance for Familial cancer of breast; Fanconi anemia complementation group J. Last evaluated: 2019-10-29. Review status: criteria provided, single submitter. Criteria: Invitae Variant Classification Sherloc (09022015). Collection method: clinical testing. Allele origin: germline.
Comment: In summary, the available evidence is currently insufficient to determine the role of this variant in disease. Therefore, it has been classified as a Variant of Uncertain Significance. Algorithms developed to predict the effect of missense changes on protein structure and function (SIFT, PolyPhen-2, Align-GVGD) all suggest that this variant is likely to be tolerated, but these predictions have not been confirmed by published functional studies and their clinical significance is uncertain. This variant has not been reported in the literature in individuals with BRIP1-related conditions. This variant is not present in population databases (ExAC no frequency). This sequence change replaces glutamic acid with valine at codon 1111 of the BRIP1 protein (p.Glu1111Val). The glutamic acid residue is weakly conserved and there is a moderate physicochemical difference between glutamic acid and valine.

NM_032043.3(BRIP1):c.3332A>T (p.Glu1111Val)

Gene: BRIP1 (BRCA1 interacting DNA helicase 1; minus strand). Cytogenetic location: 17q23.2.
Variant type: single nucleotide variant.
Coding change: c.3332A>T on transcript NM_032043.3 (MANE Select); coding-DNA position 3332, A replaced by T.
Protein change: p.Glu1111Val; replaces glutamic acid 1111 with valine.
Molecular consequence: missense variant.
Genome position (GRCh38, 1-based): chr17:61,683,714, T>A on the plus strand (A>T on the coding strand, the complement: BRIP1 is on the minus strand). VCF-style: chr17-61683714-T-A. GRCh37 (hg19) VCF-style: chr17-59761075-T-A.
Other names: short protein forms E1111V.
Identifiers: ClinVar variation 837968 (VCV000837968.10), dbSNP rs2061311057, ClinGen allele CA400478961.